The following is an entry in ClinVar:

NM_005506.4(SCARB2):c.361C>T (p.Arg121Ter)

Gene: SCARB2 (scavenger receptor class B member 2; minus strand). Cytogenetic location: 4q21.1.
Variant type: single nucleotide variant.
Coding change: c.361C>T on transcript NM_005506.4 (MANE Select); coding-DNA position 361, C replaced by T.
Protein change: p.Arg121Ter; replaces arginine 121 with a stop codon.
Molecular consequence: nonsense. On other transcripts: intron variant (1).
Genome position (GRCh38, 1-based): chr4:76,181,016, G>A on the plus strand (C>T on the coding strand, the complement: SCARB2 is on the minus strand). VCF-style: chr4-76181016-G-A. GRCh37 (hg19) VCF-style: chr4-77102169-G-A.
Other names: p.R121*:CGA>TGA; c.276-5106C>T (NM_001204255.2); short protein forms R121*.
Identifiers: ClinVar variation 206709 (VCV000206709.13), dbSNP rs200053119, ClinGen allele CA317064.

ClinVar aggregate classification (germline): Pathogenic/Likely pathogenic. Review status: criteria provided, multiple submitters, no conflicts (2 of 4 stars). 4 submissions from 4 submitters: Pathogenic (2); Likely pathogenic (1). 1 of the submissions does not count toward it. Last evaluated 2025-02-13.

Conditions:
Progressive myoclonic epilepsy. Also called: Myoclonus epilepsy; Familial progressive myoclonic epilepsy; Progressive myoclonus epilepsy; Myoclonic Epilepsies, Progressive. Identifiers: Orphanet 308, Orphanet 98261, MedGen C0751778, MONDO:0020074.
Action myoclonus-renal failure syndrome. Also called: MYOCLONUS-NEPHROPATHY SYNDROME; EPILEPSY, PROGRESSIVE MYOCLONIC, 4, WITH RENAL FAILURE; EPILEPSY, PROGRESSIVE MYOCLONIC, 4, WITHOUT RENAL FAILURE; SCARB2-Related Action Myoclonus-Renal Failure Syndrome. Identifiers: Orphanet 163696, MedGen C0751779, MeSH D020191, MONDO:0009699, OMIM 254900.

Allele frequency attached by ClinVar (database versions not stated): gnomAD exomes 0.00001; TOPMed 0.00001; ExAC 0.00003; gnomAD 0.00003.
gnomAD v4.1: 15 of 1,613,388 alleles (0.00093%); highest among the groups gnomAD compares: African/African-American, 0.0027%; no homozygotes.

Submissions (4):

Labcorp Genetics (formerly Invitae), Labcorp
Classification: Pathogenic for Progressive myoclonic epilepsy. Last evaluated: 2025-02-13. Review status: criteria provided, single submitter. Criteria: Invitae Variant Classification Sherloc (09022015). Collection method: clinical testing. Allele origin: germline.
Comment: This sequence change creates a premature translational stop signal (p.Arg121*) in the SCARB2 gene. It is expected to result in an absent or disrupted protein product. Loss-of-function variants in SCARB2 are known to be pathogenic (PMID: 19847901). This variant is present in population databases (rs200053119, gnomAD 0.007%). This premature translational stop signal has been observed in individual(s) with progressive myoclonus epilepsy (PMID: 23659519). ClinVar contains an entry for this variant (Variation ID: 206709). For these reasons, this variant has been classified as Pathogenic.

Center for Genomics, Ann and Robert H. Lurie Children's Hospital of Chicago
Classification: Likely pathogenic for Action myoclonus-renal failure syndrome. Last evaluated: 2021-03-30. Review status: criteria provided, single submitter. Criteria: ACMG Guidelines, 2015. Collection method: clinical testing. Allele origin: germline.
Comment: SCARB2 NM_005506.3 exon 3 p.Arg121* (c.361C>T): This variant has been reported in the literature in 1 individual with progressive myoclonus epilepsy (Fu 2014 PMID:23659519). This variant is present in 2/245924 alleles in the Genome Aggregation Database. Please note, disease causing variants may be present in control databases at low frequencies, reflective of the general population and/or variable expressivity. This variant is present in ClinVar (Variation ID:206709). Evolutionary conservation and computational predictive tools for this variant are limited or unavailable. This variant creates a premature stop at this codon which results in an absent or abnormal protein. Loss of function variants have been reported in association with disease for this gene (Amrom 2015 PMID:26677510). In summary, data on this variant is highly suspicious for disease, but requires further evidence for pathogenicity. Therefore, this variant classified as likely pathogenic.

GeneDx
Classification: Pathogenic. Last evaluated: 2016-03-07. Review status: criteria provided, single submitter. Criteria: GeneDx Variant Classification (06012015). Collection method: clinical testing. Allele origin: germline. Affected: yes.
Comment: The R121X variant in the SCARB2 has been reported previously as a homozygous variant in an individual with progressive myoclonus epilepsy without renal failure (Fu et al., 2013). This variant is predicted to cause loss of normal protein function either through protein truncation or nonsense-mediated mRNA decay.

GeneReviews
No classification provided. Condition: Action myoclonus-renal failure syndrome. Review status: no classification provided. Collection method: literature only. Allele origin: germline. Affected: yes. Not counted in ClinVar's aggregate classification.

Literature cited by the submitters: PubMed 19847901 (cited by Labcorp Genetics (formerly Invitae), Labcorp); PubMed 23659519 (cited by Labcorp Genetics (formerly Invitae), Labcorp and GeneReviews); NCBI Bookshelf NBK333437 (cited by GeneReviews).